The following is an entry in ClinVar:

ClinVar aggregate classification (germline): Uncertain significance (1 of 4 stars; one submission).

Conditions:
Inborn genetic diseases. Identifiers: MedGen C0950123, MeSH D030342.

Submission:

Ambry Genetics
Classification: Uncertain significance for Inborn genetic diseases. Last evaluated: 2024-09-26. Review status: criteria provided, single submitter. Criteria: Ambry Variant Classification Scheme 2023. Collection method: clinical testing. Allele origin: germline.
Comment: The p.P252S variant (also known as c.754C>T), located in coding exon 7 of the BUB1B gene, results from a C to T substitution at nucleotide position 754. The proline at codon 252 is replaced by serine, an amino acid with similar properties. This amino acid position is conserved. In addition, this alteration is predicted to be tolerated by in silico analysis. Based on the available evidence, the clinical significance of this variant remains unclear.

NM_001211.6(BUB1B):c.754C>T (p.Pro252Ser)

Gene: BUB1B (BUB1 mitotic checkpoint serine/threonine kinase B; plus strand). Cytogenetic location: 15q15.1.
Variant type: single nucleotide variant.
Coding change: c.754C>T on transcript NM_001211.6 (MANE Select); coding-DNA position 754, C replaced by T.
Protein change: p.Pro252Ser; replaces proline 252 with serine.
Molecular consequence: missense variant.
Genome position (GRCh38, 1-based): chr15:40,185,167, C>T. VCF-style: chr15-40185167-C-T. GRCh37 (hg19) VCF-style: chr15-40477368-C-T.
Other names: short protein forms P252S.
Identifiers: ClinVar variation 3483208 (VCV003483208.1).
Genomic context (GRCh38, chr15:40,185,167, plus strand): 5'-TGGCATCTAAGTTAATAATGAAACATTTTACATGAGGTTTTAATATTTTTGCTCCTAGCT[C>T]CAAGCCAGAACAGAGGACTCCAAAATCCATTTCCTCAACAGATGCAAAATAATAGTAGAA-3'
Protein context (NP_001202.5, residues 242-262): IIRVGGALKA[Pro252Ser]SQNRGLQNPF